The following is an entry in ClinVar:

NM_001943.5(DSG2):c.2554G>T (p.Glu852Ter)

Genes: DSG2 (desmoglein 2; plus strand), DSG2-AS1 (DSG2 antisense RNA 1; minus strand). Cytogenetic location: 18q12.1.
Variant type: single nucleotide variant.
Coding change: c.2554G>T on transcript NM_001943.5 (MANE Select); coding-DNA position 2554, G replaced by T.
Protein change: p.Glu852Ter; replaces glutamic acid 852 with a stop codon.
Molecular consequence: nonsense.
Genome position (GRCh38, 1-based): chr18:31,545,940, G>T. VCF-style: chr18-31545940-G-T. GRCh37 (hg19) VCF-style: chr18-29125903-G-T.
Other names: short protein forms E852*.
Identifiers: ClinVar variation 1792996 (VCV001792996.7), dbSNP rs2510922295, ClinGen allele CA402145046.
Genomic context (GRCh38, chr18:31,545,940, plus strand): 5'-AAATTCAAGACACTAGCTGAAGTTTGCCTGGGTCAAAAAATAGATATAAATAAGGAAATT[G>T]AGCAGAGACAAAAACCTGCCACAGAAACAAGTATGAACACAGCTTCACATTCACTCTGTG-3'

ClinVar aggregate classification (germline): Conflicting classifications of pathogenicity. Review status: criteria provided, conflicting classifications (1 of 4 stars). 2 submissions from 2 submitters: Pathogenic (1); Uncertain significance (1). Last evaluated 2025-01-29.

Conditions:
Arrhythmogenic right ventricular dysplasia 10. Also called: Arrhythmogenic Right Ventricular Dysplasia/Cardiomyopathy10; ARRHYTHMOGENIC RIGHT VENTRICULAR DYSPLASIA, FAMILIAL, 10; Arrhythmogenic right ventricular dysplasia/cardiomyopathy, type 10. Identifiers: MedGen C1857777, MONDO:0012434, OMIM 610193.
Cardiovascular phenotype. Identifiers: MedGen CN230736.

Allele frequency attached by ClinVar (database versions not stated): gnomAD exomes below 0.00001.
gnomAD v4.1: 6 of 1,614,112 alleles (0.00037%); highest among the groups gnomAD compares: Non-Finnish European, 0.00051%; no homozygotes.

Submissions (2):

Labcorp Genetics (formerly Invitae), Labcorp
Classification: Pathogenic for Arrhythmogenic right ventricular dysplasia 10. Last evaluated: 2025-01-29. Review status: criteria provided, single submitter. Criteria: Invitae Variant Classification Sherloc (09022015). Collection method: clinical testing. Allele origin: germline.
Comment: This sequence change creates a premature translational stop signal (p.Glu852*) in the DSG2 gene. While this is not anticipated to result in nonsense mediated decay, it is expected to disrupt the last 267 amino acid(s) of the DSG2 protein. This variant is not present in population databases (gnomAD no frequency). This variant has not been reported in the literature in individuals affected with DSG2-related conditions. ClinVar contains an entry for this variant (Variation ID: 1792996). This variant disrupts a region of the DSG2 protein in which other variant(s) (p.Glu1020Alafs*18) have been determined to be pathogenic (PMID: 20864495, 21397041, 23381804). This suggests that this is a clinically significant region of the protein, and that variants that disrupt it are likely to be disease-causing. For these reasons, this variant has been classified as Pathogenic.

Ambry Genetics
Classification: Uncertain significance for Cardiovascular phenotype. Last evaluated: 2022-09-06. Review status: criteria provided, single submitter. Criteria: Ambry Variant Classification Scheme 2023. Collection method: clinical testing. Allele origin: germline.
Comment: The p.E852* variant (also known as c.2554G>T), located in coding exon 15 of the DSG2 gene, results from a G to T substitution at nucleotide position 2554. This changes the amino acid from a glutamic acid to a stop codon within coding exon 15. This alteration occurs at the 3' terminus of theDSG2 gene, is not expected to trigger nonsense-mediated mRNAdecay, and only impacts the last 23% of the protein. The exact functional effect of this alteration is unknown, and loss of function alterations in this region of the DSG2 gene are more common in population databases than expected for likely pathogenic/disease-causing variants (Ambry internal data). Since supporting evidence is limited at this time, the clinical significance of this alteration remains unclear.

Literature cited by the submitters: PubMed 20864495 (cited by Labcorp Genetics (formerly Invitae), Labcorp); PubMed 21397041 (cited by Labcorp Genetics (formerly Invitae), Labcorp); PubMed 23381804 (cited by Labcorp Genetics (formerly Invitae), Labcorp).